The following is an entry in ClinVar:

NM_001379286.1(ZNF423):c.3691G>A (p.Glu1231Lys)

Gene: ZNF423 (zinc finger protein 423; minus strand). Cytogenetic location: 16q12.1.
Variant type: single nucleotide variant.
Coding change: c.3691G>A on transcript NM_001379286.1 (MANE Select); coding-DNA position 3691, G replaced by A.
Protein change: p.Glu1231Lys; replaces glutamic acid 1231 with lysine.
Molecular consequence: missense variant.
Genome position (GRCh38, 1-based): chr16:49,525,405, C>T on the plus strand (G>A on the coding strand, the complement: ZNF423 is on the minus strand). VCF-style: chr16-49525405-C-T. GRCh37 (hg19) VCF-style: chr16-49559316-C-T.
Other names: c.3487G>A, p.Glu1163Lys (NM_001271620.2); c.3316G>A, p.Glu1106Lys (NM_001330533.2); c.3667G>A, p.Glu1223Lys (NM_015069.5); short protein forms E1163K, E1223K, E1106K, E1231K.
Identifiers: ClinVar variation 861031 (VCV000861031.9), dbSNP rs752885477, ClinGen allele CA8046229.

ClinVar aggregate classification (germline): Uncertain significance (1 of 4 stars; one submission).

Conditions:
Nephronophthisis 14 (NPHP14). Identifiers: Orphanet 2318, MedGen C3539071, MONDO:0013916, OMIM 614844.

Allele frequency attached by ClinVar (database versions not stated): gnomAD exomes below 0.00001 and 0.00001; ExAC 0.00001; gnomAD 0.00001.
gnomAD v4.1: 4 of 1,613,932 alleles (0.00025%); highest among the groups gnomAD compares: Admixed American, 0.0017%; no homozygotes.

Submission:

Labcorp Genetics (formerly Invitae), Labcorp
Classification: Uncertain significance for Nephronophthisis 14. Last evaluated: 2025-01-23. Review status: criteria provided, single submitter. Criteria: Invitae Variant Classification Sherloc (09022015). Collection method: clinical testing. Allele origin: germline.
Comment: This sequence change replaces glutamic acid, which is acidic and polar, with lysine, which is basic and polar, at codon 1223 of the ZNF423 protein (p.Glu1223Lys). This variant is present in population databases (rs752885477, gnomAD 0.01%). This variant has not been reported in the literature in individuals affected with ZNF423-related conditions. ClinVar contains an entry for this variant (Variation ID: 861031). Invitae Evidence Modeling of protein sequence and biophysical properties (such as structural, functional, and spatial information, amino acid conservation, physicochemical variation, residue mobility, and thermodynamic stability) indicates that this missense variant is not expected to disrupt ZNF423 protein function with a negative predictive value of 80%. In summary, the available evidence is currently insufficient to determine the role of this variant in disease. Therefore, it has been classified as a Variant of Uncertain Significance.